The following is an entry in ClinVar:

ClinVar aggregate classification (germline): Pathogenic/Likely pathogenic. Review status: criteria provided, multiple submitters, no conflicts (2 of 4 stars). 4 submissions from 4 submitters: Pathogenic (2); Likely pathogenic (2). Last evaluated 2024-12-26.

Conditions:
Galactosemia. Also called: Galactose intolerance. Identifiers: Orphanet 352, MedGen C0016952, MONDO:0018116, HP:0004919. Disease mechanism: loss of function.
Deficiency of UDPglucose-hexose-1-phosphate uridylyltransferase. Also called: GALACTOSE-1-PHOSPHATE URIDYLYLTRANSFERASE DEFICIENCY; Transferase Deficiency Galactosemia; GALT deficiency; Galactosemia, classic; GALACTOSEMIA I. Identifiers: Orphanet 352, Orphanet 79239, MedGen C0268151, MONDO:0009258, OMIM 230400.

Submissions (4):

Natera, Inc.
Classification: Likely pathogenic for Galactosemia. Last evaluated: 2024-12-26. Review status: criteria provided, single submitter. Criteria: Natera Variant Classification Schema (03/2026). Collection method: clinical testing. Allele origin: germline.
Comment: The c.513del variant in GALT is a frameshift variant predicted to shift the reading frame beginning at codon 171 and leads to a stop codon 7 codons downstream. This variant is expected to result in nonsense mediated decay, truncation, or a dysfunctional protein product. This variant is rare in the general population with a frequency below the threshold expected for the associated phenotype(s). Given the available evidence, this variant is classified as Likely Pathogenic.

Labcorp Genetics (formerly Invitae), Labcorp
Classification: Pathogenic for Deficiency of UDPglucose-hexose-1-phosphate uridylyltransferase. Last evaluated: 2022-04-08. Review status: criteria provided, single submitter. Criteria: Invitae Variant Classification Sherloc (09022015). Collection method: clinical testing. Allele origin: germline.
Comment: For these reasons, this variant has been classified as Pathogenic. This sequence change creates a premature translational stop signal (p.Phe171Leufs*7) in the GALT gene. It is expected to result in an absent or disrupted protein product. Loss-of-function variants in GALT are known to be pathogenic (PMID: 22944367). ClinVar contains an entry for this variant (Variation ID: 290279). This variant has not been reported in the literature in individuals affected with GALT-related conditions. This variant is not present in population databases (gnomAD no frequency).

Baylor Genetics
Classification: Likely pathogenic for Deficiency of UDPglucose-hexose-1-phosphate uridylyltransferase. Last evaluated: 2021-12-06. Review status: criteria provided, single submitter. Criteria: ACMG Guidelines, 2015. Collection method: clinical testing. Allele origin: unknown.

Eurofins Ntd Llc (ga)
Classification: Pathogenic. Last evaluated: 2016-08-16. Review status: criteria provided, single submitter. Criteria: EGL Classification Definitions 2015. Collection method: clinical testing. Allele origin: germline. Observed: 1 variant allele, 1 heterozygote.

Literature cited by the submitters: PubMed 22944367 (cited by Labcorp Genetics (formerly Invitae), Labcorp).

NM_000155.4(GALT):c.513del (p.Phe171fs)

Gene: GALT (galactose-1-phosphate uridylyltransferase; plus strand). Cytogenetic location: 9p13.3.
Variant type: Deletion.
Coding change: c.513del on transcript NM_000155.4 (MANE Select); coding-DNA position 513, one base deleted (T; older notation c.513delT).
Protein change: p.Phe171fs; shifts the reading frame from phenylalanine 171.
Molecular consequence: frameshift variant.
Genome position (GRCh38, 1-based): chr9:34,648,120, T deleted; the last of 3 consecutive T bases (chr9:34,648,118-34,648,120); deleting any one gives the same sequence. VCF-style (leftmost placement, unchanged base first): chr9-34648117-CT-C. GRCh37 (hg19) VCF-style: chr9-34648114-CT-C.
Other names: c.513del (NM_000155.3); c.186del, p.Phe62fs (NM_001258332.2); short protein forms F62fs, F171fs.
Identifiers: ClinVar variation 290279 (VCV000290279.12), dbSNP rs886044409, ClinGen allele CA10606719.
Genomic context (GRCh38, chr9:34,648,117, plus strand): 5'-AGGAGGGAGTTGACTTGGTGTCTTTTGGCTAACAGAGCTCCGTATCCCTATCTGATAGAT[CT>C]TTGAAAACAAAGGTGCCATGATGGGCTGTTCTAACCCCCACCCCCACTGCCAGGTAAGGG-3'